The following is an entry in ClinVar:

ClinVar aggregate classification (germline): Likely benign. Review status: criteria provided, single submitter (1 of 4 stars). 2 submissions from 2 submitters: Likely benign (1). 1 of the submissions does not count toward it. Last evaluated 2026-01-02.

Conditions:
CARD8-related disorder. Also called: CARD8-related condition.

Allele frequency attached by ClinVar (database versions not stated): gnomAD exomes 0.00008 and 0.00035; ExAC 0.00041; ESP Exome Variant Server 0.00085; gnomAD 0.00119 and 0.00120; TOPMed 0.00129; 1000 Genomes Project 0.00220; 1000 Genomes Project 30x 0.00250.
gnomAD v4.1: 306 of 1,585,580 alleles (0.019%); highest among the groups gnomAD compares: African/African-American, 0.32%; no homozygotes.

Submissions (2):

Labcorp Genetics (formerly Invitae), Labcorp
Classification: Likely benign. Last evaluated: 2026-01-02. Review status: criteria provided, single submitter. Criteria: Invitae Variant Classification Sherloc (09022015). Collection method: clinical testing. Allele origin: germline.

PreventionGenetics, part of Exact Sciences
Classification: Likely benign for CARD8-related condition. Last evaluated: 2023-09-19. Review status: no assertion criteria provided. Collection method: clinical testing. Allele origin: germline. Not counted in ClinVar's aggregate classification.
Comment: This variant is classified as likely benign based on ACMG/AMP sequence variant interpretation guidelines (Richards et al. 2015 PMID: 25741868, with internal and published modifications).

NM_001184900.3(CARD8):c.1157C>T (p.Pro386Leu)

Gene: CARD8 (caspase recruitment domain family member 8; minus strand). Cytogenetic location: 19q13.33.
Variant type: single nucleotide variant.
Coding change: c.1157C>T on transcript NM_001184900.3 (MANE Select); coding-DNA position 1157, C replaced by T.
Protein change: p.Pro386Leu; replaces proline 386 with leucine.
Molecular consequence: missense variant. On other transcripts: non-coding transcript variant (3).
Genome position (GRCh38, 1-based): chr19:48,221,734, G>A on the plus strand (C>T on the coding strand, the complement: CARD8 is on the minus strand). VCF-style: chr19-48221734-G-A. GRCh37 (hg19) VCF-style: chr19-48724991-G-A.
Other names: c.1157C>T (NM_001184900.1); c.1007C>T, p.Pro336Leu (NM_001184901.1, NM_001351783.2, NM_001351788.2 and 2 more transcripts); c.1157C>T, p.Pro386Leu (NM_001184902.2, NM_001184903.1, NM_001351782.2); c.842C>T, p.Pro281Leu (NM_001351784.2, NM_001351787.2, NM_001351791.2 and 1 more transcripts); c.821C>T, p.Pro274Leu (NM_001351786.2); c.914C>T, p.Pro305Leu (NM_001351790.2); c.839C>T, p.Pro280Leu (NM_001365950.1); short protein forms P274L, P280L, P281L, P305L, P336L, P386L.
Identifiers: ClinVar variation 1145399 (VCV001145399.11), dbSNP rs143813106, ClinGen allele CA9547786.